The following is an entry in ClinVar:

ClinVar aggregate classification (germline): Likely pathogenic (1 of 4 stars; one submission).

Conditions:
Osteopetrosis. Identifiers: Orphanet 2781, MedGen C0029454, MONDO:0017198, HP:0011002.

Submission:

Women's Health and Genetics/Laboratory Corporation of America, LabCorp
Classification: Likely pathogenic for Osteopetrosis. Last evaluated: 2025-01-13. Review status: criteria provided, single submitter. Criteria: LabCorp Variant Classification Summary - May 2015. Collection method: clinical testing. Allele origin: germline.
Comment: Variant summary: TCIRG1 c.1228G>C (p.Gly410Arg) results in a non-conservative amino acid change in the encoded protein sequence. Five of five in-silico tools predict a damaging effect of the variant on protein function. The variant allele was found at a frequency of 4e-06 in 250800 control chromosomes. c.1228G>C has been reported in the literature in at least one individual affected with Osteopetrosis (Pangrazio_ 2012). This report does not provide unequivocal conclusions about association of the variant with Osteopetrosis. A different variant resulting in the same amino acid change has been reported in the literature in affected individuals and classified by one contributor as pathogenic in ClinVar (c.1228G>A; p.Gly410Arg (ClinVar Variation ID: 2137172)), suggesting the amino acid is critical for normal function of the protein. To our knowledge, no experimental evidence demonstrating an impact on protein function has been reported. The following publications have been ascertained in the context of this evaluation (PMID: 34203247, 30898715, 22231430). No submitters have cited clinical-significance assessments for this variant to ClinVar. Based on the evidence outlined above, the variant was classified as likely pathogenic.

Literature cited by the submitters: PubMed 30898715; PubMed 30539151; PubMed 22231430; PubMed 34203247.

NM_006019.4(TCIRG1):c.1228G>C (p.Gly410Arg)

Gene: TCIRG1 (T cell immune regulator 1, ATPase H+ transporting V0 subunit a3; plus strand). Cytogenetic location: 11q13.2.
Variant type: single nucleotide variant.
Coding change: c.1228G>C on transcript NM_006019.4 (MANE Select); coding-DNA position 1228, G replaced by C.
Protein change: p.Gly410Arg; replaces glycine 410 with arginine.
Molecular consequence: missense variant.
Genome position (GRCh38, 1-based): chr11:68,047,495, G>C. VCF-style: chr11-68047495-G-C. GRCh37 (hg19) VCF-style: chr11-67814962-G-C.
Other names: c.334G>C, p.Gly112Arg (NM_001351059.2); c.580G>C, p.Gly194Arg (NM_006053.4); short protein forms G112R, G194R, G410R.
Identifiers: ClinVar variation 3769171 (VCV003769171.2).